The following is an entry in ClinVar:

NM_024665.7(TBL1XR1):c.629T>G (p.Val210Gly)

Gene: TBL1XR1 (TBL1X/Y related 1; minus strand). Cytogenetic location: 3q26.32.
Variant type: single nucleotide variant.
Coding change: c.629T>G on transcript NM_024665.7 (MANE Select); coding-DNA position 629, T replaced by G.
Protein change: p.Val210Gly; replaces valine 210 with glycine.
Molecular consequence: missense variant.
Genome position (GRCh38, 1-based): chr3:177,050,070, A>C on the plus strand (T>G on the coding strand, the complement: TBL1XR1 is on the minus strand). VCF-style: chr3-177050070-A-C. GRCh37 (hg19) VCF-style: chr3-176767858-A-C.
Other names: c.629T>G, p.Val210Gly (NM_001321193.3, NM_001321194.3, NM_001374327.1 and 2 more transcripts); c.368T>G, p.Val123Gly (NM_001321195.3, NM_001374330.1); short protein forms V123G, V210G.
Identifiers: ClinVar variation 2841006 (VCV002841006.3), dbSNP rs2473720287, ClinGen allele CA355552543.

ClinVar aggregate classification (germline): Uncertain significance (1 of 4 stars; one submission).

Conditions:
Pierpont syndrome (PRPTS). Identifiers: Orphanet 487825, MedGen C1865644, MONDO:0011213, OMIM 602342.

Submission:

Labcorp Genetics (formerly Invitae), Labcorp
Classification: Uncertain significance for Pierpont syndrome. Last evaluated: 2023-02-26. Review status: criteria provided, single submitter. Criteria: Invitae Variant Classification Sherloc (09022015). Collection method: clinical testing. Allele origin: germline.
Comment: In summary, the available evidence is currently insufficient to determine the role of this variant in disease. Therefore, it has been classified as a Variant of Uncertain Significance. This variant is not present in population databases (gnomAD no frequency). This sequence change replaces valine, which is neutral and non-polar, with glycine, which is neutral and non-polar, at codon 210 of the TBL1XR1 protein (p.Val210Gly). This variant has not been reported in the literature in individuals affected with TBL1XR1-related conditions. Advanced modeling of protein sequence and biophysical properties (such as structural, functional, and spatial information, amino acid conservation, physicochemical variation, residue mobility, and thermodynamic stability) performed at Invitae indicates that this missense variant is expected to disrupt TBL1XR1 protein function.